The following is an entry in ClinVar:

NC_000009.12:g.(?_6550793)_(6610366_?)del

Genes: GLDC (glycine decarboxylase; minus strand), LOC113839554 (Sharpr-MPRA regulatory region 10661; plus strand), LOC126860573 (P300/CBP strongly-dependent group 1 enhancer GRCh37_chr9:6566198-6567397; plus strand), LOC130001537 (ATAC-STARR-seq lymphoblastoid active region 28187; plus strand). Cytogenetic location: 9p24.1.
Variant type: Deletion.
Identifiers: ClinVar variation 640451 (VCV000640451.11).

ClinVar aggregate classification (germline): Pathogenic (1 of 4 stars; one submission).

Conditions:
Glycine encephalopathy. Also called: Non-ketotic hyperglycinemia; Nonketotic hyperglycinemia. Identifiers: Orphanet 407, MedGen C0751748, MONDO:0011612, HP:0008288.

Submission:

Labcorp Genetics (formerly Invitae), Labcorp
Classification: Pathogenic for Glycine encephalopathy. Last evaluated: 2021-08-12. Review status: criteria provided, single submitter. Criteria: Invitae Variant Classification Sherloc (09022015). Collection method: clinical testing. Allele origin: germline.
Comment: This variant is a gross deletion of the genomic region encompassing exon(s) 4-21 of the GLDC gene. This deletion is out-of-frame, and is expected to create a premature termination codon and result in an absent or disrupted protein product. Loss-of-function variants in GLDC are known to be pathogenic (PMID: 16601880). This variant has not been reported in the literature in individuals affected with GLDC-related conditions. For these reasons, this variant has been classified as Pathogenic.

Literature cited by the submitters: PubMed 16601880.